The following is an entry in ClinVar:

NM_144997.7(FLCN):c.1486T>G (p.Ser496Ala)

Gene: FLCN (folliculin; minus strand). Cytogenetic location: 17p11.2.
Variant type: single nucleotide variant.
Coding change: c.1486T>G on transcript NM_144997.7 (MANE Select); coding-DNA position 1486, T replaced by G.
Protein change: p.Ser496Ala; replaces serine 496 with alanine.
Molecular consequence: missense variant.
Genome position (GRCh38, 1-based): chr17:17,215,037, A>C on the plus strand (T>G on the coding strand, the complement: FLCN is on the minus strand). VCF-style: chr17-17215037-A-C. GRCh37 (hg19) VCF-style: chr17-17118351-A-C.
Other names: c.1540T>G, p.Ser514Ala (NM_001353229.2); c.1486T>G, p.Ser496Ala (NM_001353230.2, NM_001353231.2); short protein forms S496A, S514A.
Identifiers: ClinVar variation 2473464 (VCV002473464.2), dbSNP rs2144832498, ClinGen allele CA398530871.

ClinVar aggregate classification (germline): Uncertain significance (1 of 4 stars; one submission).

Conditions:
Hereditary cancer-predisposing syndrome. Also called: Neoplastic Syndromes, Hereditary; Hereditary neoplastic syndrome; Tumor predisposition; Hereditary Cancer Syndrome. Identifiers: Orphanet 140162, MedGen C0027672, MeSH D009386, MONDO:0015356.

Submission:

Ambry Genetics
Classification: Uncertain significance for Hereditary cancer-predisposing syndrome. Last evaluated: 2022-12-05. Review status: criteria provided, single submitter. Criteria: Ambry Variant Classification Scheme 2023. Collection method: clinical testing. Allele origin: germline.
Comment: The p.S496A variant (also known as c.1486T>G), located in coding exon 10 of the FLCN gene, results from a T to G substitution at nucleotide position 1486. The serine at codon 496 is replaced by alanine, an amino acid with similar properties. This amino acid position is conserved. In addition, this alteration is predicted to be deleterious by in silico analysis. Since supporting evidence is limited at this time, the clinical significance of this alteration remains unclear.